The following is an entry in ClinVar:

NM_001164508.2(NEB):c.2593C>T (p.Pro865Ser)

Gene: NEB (nebulin; minus strand). Cytogenetic location: 2q23.3.
Variant type: single nucleotide variant.
Coding change: c.2593C>T on transcript NM_001164508.2 (MANE Select); coding-DNA position 2593, C replaced by T.
Protein change: p.Pro865Ser; replaces proline 865 with serine.
Molecular consequence: missense variant.
Genome position (GRCh38, 1-based): chr2:151,687,463, G>A on the plus strand (C>T on the coding strand, the complement: NEB is on the minus strand). VCF-style: chr2-151687463-G-A. GRCh37 (hg19) VCF-style: chr2-152543977-G-A.
Other names: c.2593C>T, p.Pro865Ser (NM_001164507.2, NM_001271208.2, NM_004543.5); short protein forms P865S.
Identifiers: ClinVar variation 953214 (VCV000953214.6), dbSNP rs751373246, ClinGen allele CA1911180.

ClinVar aggregate classification (germline): Uncertain significance (1 of 4 stars; one submission).

Conditions:
Nemaline myopathy 2 (NEM2). Also called: Nemaline myopathy 2, autosomal recessive. Identifiers: MedGen C1850569, MONDO:0009725, OMIM 256030.

Allele frequency attached by ClinVar (database versions not stated): ExAC 0.00001; gnomAD exomes 0.00001.
gnomAD v4.1: 3 of 1,613,944 alleles (0.00019%); highest among the groups gnomAD compares: South Asian, 0.0033%; no homozygotes.

Submission:

Labcorp Genetics (formerly Invitae), Labcorp
Classification: Uncertain significance for Nemaline myopathy 2. Last evaluated: 2022-09-06. Review status: criteria provided, single submitter. Criteria: Invitae Variant Classification Sherloc (09022015). Collection method: clinical testing. Allele origin: germline.
Comment: This sequence change replaces proline, which is neutral and non-polar, with serine, which is neutral and polar, at codon 865 of the NEB protein (p.Pro865Ser). This variant is present in population databases (rs751373246, gnomAD 0.006%). This variant has not been reported in the literature in individuals affected with NEB-related conditions. ClinVar contains an entry for this variant (Variation ID: 953214). Algorithms developed to predict the effect of missense changes on protein structure and function are either unavailable or do not agree on the potential impact of this missense change (SIFT: "Deleterious"; PolyPhen-2: "Not Available"; Align-GVGD: "Class C0"). In summary, the available evidence is currently insufficient to determine the role of this variant in disease. Therefore, it has been classified as a Variant of Uncertain Significance.